The following is an entry in ClinVar:

ClinVar aggregate classification (germline): Pathogenic/Likely pathogenic. Review status: criteria provided, multiple submitters, no conflicts (2 of 4 stars). 2 submissions from 2 submitters: Pathogenic (1); Likely pathogenic (1). Last evaluated 2024-09-02.

Conditions:
NF1-related disorder. Also called: NF1-related condition. Identifiers: MedGen CN379171.
Neurofibromatosis, type 1 (NF1). Also called: VON RECKLINGHAUSEN DISEASE; NEUROFIBROMATOSIS, TYPE I, SOMATIC; Peripheral type neurofibromatosis; Neurofibromatosis, type I. Identifiers: Orphanet 636, MedGen C0027831, MONDO:0018975, OMIM 162200. Disease mechanism: loss of function.

Submissions (2):

Blueprint Genetics
Classification: Likely pathogenic for NF1-related disorders. Last evaluated: 2024-09-02. Review status: criteria provided, single submitter. Criteria: ACMG Guidelines, 2015. Collection method: clinical testing. Allele origin: germline. Affected: yes. Observed: 1 variant allele.

Labcorp Genetics (formerly Invitae), Labcorp
Classification: Pathogenic for Neurofibromatosis, type 1. Last evaluated: 2022-09-18. Review status: criteria provided, single submitter. Criteria: Invitae Variant Classification Sherloc (09022015). Collection method: clinical testing. Allele origin: germline.
Comment: For these reasons, this variant has been classified as Pathogenic. This premature translational stop signal has been observed in individual(s) with neurofibromatosis type 1 (PMID: 23656349). This variant is not present in population databases (gnomAD no frequency). This sequence change creates a premature translational stop signal (p.Ser879*) in the NF1 gene. It is expected to result in an absent or disrupted protein product. Loss-of-function variants in NF1 are known to be pathogenic (PMID: 10712197, 23913538).

Literature cited by the submitters: PubMed 23656349 (cited by Labcorp Genetics (formerly Invitae), Labcorp); PubMed 10712197 (cited by Labcorp Genetics (formerly Invitae), Labcorp); PubMed 23913538 (cited by Labcorp Genetics (formerly Invitae), Labcorp).

NM_001042492.3(NF1):c.2636C>G (p.Ser879Ter)

Gene: NF1 (neurofibromin 1; plus strand). Cytogenetic location: 17q11.2.
Variant type: single nucleotide variant.
Coding change: c.2636C>G on transcript NM_001042492.3 (MANE Select); coding-DNA position 2636, C replaced by G.
Protein change: p.Ser879Ter; replaces serine 879 with a stop codon.
Molecular consequence: nonsense.
Genome position (GRCh38, 1-based): chr17:31,229,251, C>G. VCF-style: chr17-31229251-C-G. GRCh37 (hg19) VCF-style: chr17-29556269-C-G.
Other names: c.2636C>G, p.Ser879Ter (NM_000267.4); short protein forms S879*.
Identifiers: ClinVar variation 2137970 (VCV002137970.5), dbSNP rs2151429314, ClinGen allele CA398984602.